The following is an entry in ClinVar:

NM_000179.3(MSH6):c.2754T>C (p.His918=)

Gene: MSH6 (mutS homolog 6; plus strand). Cytogenetic location: 2p16.3.
Variant type: single nucleotide variant.
Coding change: c.2754T>C on transcript NM_000179.3 (MANE Select); coding-DNA position 2754, T replaced by C.
Protein change: p.His918=; no amino-acid change (histidine 918 retained).
Molecular consequence: synonymous variant.
Genome position (GRCh38, 1-based): chr2:47,800,737, T>C. VCF-style: chr2-47800737-T-C. GRCh37 (hg19) VCF-style: chr2-48027876-T-C.
Other names: c.2364T>C, p.His788= (NM_001281492.2); c.1848T>C, p.His616= (NM_001281493.2, NM_001281494.2).
Identifiers: ClinVar variation 382553 (VCV000382553.22), dbSNP rs1057521383, ClinGen allele CA16604188.

ClinVar aggregate classification (germline): Benign/Likely benign. Review status: criteria provided, multiple submitters, no conflicts (2 of 4 stars). 7 submissions from 7 submitters: Benign (1); Likely benign (6). Last evaluated 2025-12-17.

Conditions:
Hereditary nonpolyposis colorectal neoplasms. Identifiers: MedGen C0009405, MeSH D003123.
Hereditary cancer-predisposing syndrome. Also called: Tumor predisposition; Hereditary neoplastic syndrome; Neoplastic Syndromes, Hereditary; Hereditary Cancer Syndrome. Identifiers: Orphanet 140162, MedGen C0027672, MeSH D009386, MONDO:0015356.
Lynch syndrome. Identifiers: Orphanet 144, MedGen C4552100, MONDO:0005835. Disease mechanism: loss of function.
Lynch syndrome 5 (LYNCH5). Also called: Colorectal cancer, hereditary nonpolyposis, type 5; Hereditary non-polyposis colorectal cancer, type 5. Identifiers: Orphanet 144, MedGen C1833477, MONDO:0013710, OMIM 614350. Disease mechanism: loss of function.

Allele frequency attached by ClinVar (database versions not stated): gnomAD exomes below 0.00001 and 0.00001.
gnomAD v4.1: 14 of 1,614,162 alleles (0.00087%); highest among the groups gnomAD compares: Admixed American, 0.0033%; no homozygotes.

Submissions (7):

Labcorp Genetics (formerly Invitae), Labcorp
Classification: Likely benign for Hereditary nonpolyposis colorectal neoplasms. Last evaluated: 2025-12-17. Review status: criteria provided, single submitter. Criteria: Invitae Variant Classification Sherloc (09022015). Collection method: clinical testing. Allele origin: germline.

Myriad Genetics, Inc.
Classification: Benign for Lynch syndrome 5. Last evaluated: 2025-01-02. Review status: criteria provided, single submitter. Criteria: Myriad Autosomal Dominant, Autosomal Recessive and X-Linked Classification Criteria (2023). Collection method: clinical testing. Allele origin: unknown.
Comment: This variant is considered benign. This variant is a silent/synonymous amino acid change and it is not expected to impact splicing.

All of Us Research Program, National Institutes of Health
Classification: Likely benign for Lynch syndrome. Last evaluated: 2024-02-05. Review status: criteria provided, single submitter. Criteria: ACMG Guidelines, 2015. Collection method: clinical testing. Allele origin: germline. Inheritance: Autosomal dominant inheritance. Observed: 2 variant alleles, 2 heterozygotes.
Comment: This study involves interpretation of variants in research participants for the purpose of population health screening. Participant phenotype was not available at the time of variant classification. Additional details can be found in publication PMID: 35346344, PMCID: PMC8962531

Quest Diagnostics Nichols Institute San Juan Capistrano
Classification: Likely benign. Last evaluated: 2022-10-03. Review status: criteria provided, single submitter. Criteria: Quest Diagnostics criteria. Collection method: clinical testing. Allele origin: unknown.

GeneDx
Classification: Likely benign. Last evaluated: 2020-03-16. Review status: criteria provided, single submitter. Criteria: GeneDx Variant Classification Process June 2021. Collection method: clinical testing. Allele origin: germline. Affected: yes.

Color Diagnostics, LLC DBA Color Health
Classification: Likely benign for Hereditary cancer-predisposing syndrome. Last evaluated: 2017-05-09. Review status: criteria provided, single submitter. Criteria: ACMG Guidelines, 2015. Collection method: clinical testing. Allele origin: germline.

Ambry Genetics
Classification: Likely benign for Hereditary cancer-predisposing syndrome. Last evaluated: 2015-01-08. Review status: criteria provided, single submitter. Criteria: Ambry Variant Classification Scheme 2023. Collection method: clinical testing. Allele origin: germline.